The following is an entry in ClinVar:

ClinVar aggregate classification (germline): Uncertain significance. Review status: criteria provided, multiple submitters, no conflicts (2 of 4 stars). 2 submissions from 2 submitters: Uncertain significance (2). Last evaluated 2023-01-25.

Conditions:
Inborn genetic diseases. Identifiers: MedGen C0950123, MeSH D030342.

Allele frequency attached by ClinVar (database versions not stated): gnomAD 0.00001; TOPMed 0.00002; 1000 Genomes Project 0.00020; ExAC 0.00001; gnomAD exomes 0.00001; 1000 Genomes Project 30x 0.00016.

Submissions (2):

GeneDx
Classification: Uncertain significance. Last evaluated: 2023-01-25. Review status: criteria provided, single submitter. Criteria: GeneDx Variant Classification Process June 2021. Collection method: clinical testing. Allele origin: germline. Affected: yes.
Comment: In silico analysis supports that this missense variant has a deleterious effect on protein structure/function; Has not been previously published as pathogenic or benign to our knowledge

Ambry Genetics
Classification: Uncertain significance for Inborn genetic diseases. Last evaluated: 2015-10-21. Review status: criteria provided, single submitter. Criteria: Ambry exome assertion method (8-5-2015). Collection method: clinical testing. Allele origin: germline. Affected: yes. Observed: 1 variant allele.

NM_173076.3(ABCA12):c.3713T>G (p.Met1238Arg)

Gene: ABCA12 (ATP binding cassette subfamily A member 12; minus strand). Cytogenetic location: 2q35.
Variant type: single nucleotide variant.
Coding change: c.3713T>G on transcript NM_173076.3 (MANE Select); coding-DNA position 3713, T replaced by G.
Protein change: p.Met1238Arg; replaces methionine 1238 with arginine.
Molecular consequence: missense variant. On other transcripts: non-coding transcript variant (1).
Genome position (GRCh38, 1-based): chr2:214,989,445, A>C on the plus strand (T>G on the coding strand, the complement: ABCA12 is on the minus strand). VCF-style: chr2-214989445-A-C. GRCh37 (hg19) VCF-style: chr2-215854169-A-C.
Other names: c.2759T>G, p.Met920Arg (NM_015657.4); short protein forms M1238R, M920R.
Identifiers: ClinVar variation 520848 (VCV000520848.7), dbSNP rs199940403, ClinGen allele CA2091652.